The following is an entry in ClinVar:

NM_000215.4(JAK3):c.184G>A (p.Gly62Ser)

Gene: JAK3 (Janus kinase 3; minus strand). Cytogenetic location: 19p13.11.
Variant type: single nucleotide variant.
Coding change: c.184G>A on transcript NM_000215.4 (MANE Select); coding-DNA position 184, G replaced by A.
Protein change: p.Gly62Ser; replaces glycine 62 with serine.
Molecular consequence: missense variant.
Genome position (GRCh38, 1-based): chr19:17,844,234, C>T on the plus strand (G>A on the coding strand, the complement: JAK3 is on the minus strand). VCF-style: chr19-17844234-C-T. GRCh37 (hg19) VCF-style: chr19-17955043-C-T.
Other names: short protein forms G62S.
Identifiers: ClinVar variation 952603 (VCV000952603.8), dbSNP rs199602590, ClinGen allele CA9302254.

ClinVar aggregate classification (germline): Uncertain significance (1 of 4 stars; one submission).

Conditions:
T-B+ severe combined immunodeficiency due to JAK3 deficiency. Also called: SCID, autosomal recessive, T-negative/B-positive type; SCID, T CELL-NEGATIVE, B CELL-POSITIVE, NK CELL-NEGATIVE. Identifiers: Orphanet 35078, MedGen C1833275, MONDO:0010938, OMIM 600802.

Allele frequency attached by ClinVar (database versions not stated): gnomAD 0.00001 and 0.00003; TOPMed 0.00002; gnomAD exomes 0.00003; ESP Exome Variant Server 0.00008; ExAC 0.00009.

Submission:

Labcorp Genetics (formerly Invitae), Labcorp
Classification: Uncertain significance for T-B+ severe combined immunodeficiency due to JAK3 deficiency. Last evaluated: 2025-05-18. Review status: criteria provided, single submitter. Criteria: Invitae Variant Classification Sherloc (09022015). Collection method: clinical testing. Allele origin: germline.
Comment: This sequence change replaces glycine, which is neutral and non-polar, with serine, which is neutral and polar, at codon 62 of the JAK3 protein (p.Gly62Ser). This variant also falls at the last nucleotide of exon 2, which is part of the consensus splice site for this exon. The frequency data for this variant in the population databases is considered unreliable, as metrics indicate poor data quality at this position in the gnomAD database. This variant has not been reported in the literature in individuals affected with JAK3-related conditions. ClinVar contains an entry for this variant (Variation ID: 952603). Invitae Evidence Modeling of protein sequence and biophysical properties (such as structural, functional, and spatial information, amino acid conservation, physicochemical variation, residue mobility, and thermodynamic stability) has been performed for this missense variant. However, the output from this modeling did not meet the statistical confidence thresholds required to predict the impact of this variant on JAK3 protein function. Experimental studies are conflicting or provide insufficient evidence to determine the effect of this variant on JAK3 function (PMID: 20400977). Variants that disrupt the consensus splice site are a relatively common cause of aberrant splicing (PMID: 17576681, 9536098). In summary, the available evidence is currently insufficient to determine the role of this variant in disease. Therefore, it has been classified as a Variant of Uncertain Significance.

Literature cited by the submitters: PubMed 20400977; PubMed 17576681; PubMed 9536098.